The following is an entry in ClinVar:

ClinVar aggregate classification (germline): Uncertain significance (1 of 4 stars; one submission).

Submission:

Labcorp Genetics (formerly Invitae), Labcorp
Classification: Uncertain significance. Last evaluated: 2025-12-06. Review status: criteria provided, single submitter. Criteria: Invitae Variant Classification Sherloc (09022015). Collection method: clinical testing. Allele origin: germline.
Comment: This sequence change replaces serine, which is neutral and polar, with threonine, which is neutral and polar, at codon 460 of the C9 protein (p.Ser460Thr). This variant is not present in population databases (gnomAD no frequency). This variant has not been reported in the literature in individuals affected with C9-related conditions. Invitae Evidence Modeling of protein sequence and biophysical properties (such as structural, functional, and spatial information, amino acid conservation, physicochemical variation, residue mobility, and thermodynamic stability) indicates that this missense variant is not expected to disrupt C9 protein function with a negative predictive value of 80%. In summary, the available evidence is currently insufficient to determine the role of this variant in disease. Therefore, it has been classified as a Variant of Uncertain Significance.

NM_001737.5(C9):c.1378T>A (p.Ser460Thr)

Gene: C9 (complement C9; minus strand). Cytogenetic location: 5p13.1.
Variant type: single nucleotide variant.
Coding change: c.1378T>A on transcript NM_001737.5 (MANE Select); coding-DNA position 1378, T replaced by A.
Protein change: p.Ser460Thr; replaces serine 460 with threonine.
Molecular consequence: missense variant.
Genome position (GRCh38, 1-based): chr5:39,306,655, A>T on the plus strand (T>A on the coding strand, the complement: C9 is on the minus strand). VCF-style: chr5-39306655-A-T. GRCh37 (hg19) VCF-style: chr5-39306757-A-T.
Other names: short protein forms S460T.
Identifiers: ClinVar variation 4810075 (VCV004810075.1).